The following is an entry in ClinVar:

NM_006231.4(POLE):c.6765C>T (p.Ile2255=)

Gene: POLE (DNA polymerase epsilon, catalytic subunit; minus strand). Cytogenetic location: 12q24.33.
Variant type: single nucleotide variant.
Coding change: c.6765C>T on transcript NM_006231.4 (MANE Select); coding-DNA position 6765, C replaced by T.
Protein change: p.Ile2255=; no amino-acid change (isoleucine 2255 retained).
Molecular consequence: synonymous variant.
Genome position (GRCh38, 1-based): chr12:132,624,793, G>A on the plus strand (C>T on the coding strand, the complement: POLE is on the minus strand). VCF-style: chr12-132624793-G-A. GRCh37 (hg19) VCF-style: chr12-133201379-G-A.
Identifiers: ClinVar variation 413581 (VCV000413581.52), dbSNP rs376336585, ClinGen allele CA6891968.
Genomic context (GRCh38, chr12:132,624,793, plus strand): 5'-CTCCAGGGTCTCCAGGAGGTACGACATGCCGTAGTGCTGGGCAATGTTCCGGAATATTCC[G>A]ATCTGTTCCATGAAGACCTGCAGGAATAAACAGGCACAGTGAGACCCCAGTCCACTCAGA-3'
Protein context (NP_006222.2, residues 2245-2265): TIHTQVFMEQ[Ile2255=]GIFRNIAQHY

ClinVar aggregate classification (germline): Benign/Likely benign. Review status: criteria provided, multiple submitters, no conflicts (2 of 4 stars). 11 submissions from 11 submitters: Benign (1); Likely benign (9). 1 of the submissions does not count toward it. Last evaluated 2026-02-03.

Conditions:
Colorectal cancer, susceptibility to, 12 (CRCS12). Also called: COLORECTAL CANCER, SUSCEPTIBILITY TO, ON CHROMOSOME 12q24. Identifiers: Orphanet 220460, MedGen C3554460, MONDO:0014038, OMIM 615083.
Facial dysmorphism-immunodeficiency-livedo-short stature syndrome. Also called: FILS syndrome; Facial dysmorphism, immunodeficiency, livedo, and short stature. Identifiers: Orphanet 352712, MedGen C3554576, MONDO:0014058, OMIM 615139.
Intrauterine growth retardation, metaphyseal dysplasia, adrenal hypoplasia congenita, genital anomalies, and immunodeficiency. Also called: IMAGEI SYNDROME. Identifiers: MedGen C5193036, MONDO:0032684, OMIM 618336.
POLE-related disorder. Also called: POLE-related condition; POLE-related disorders.
Hereditary cancer-predisposing syndrome. Also called: Tumor predisposition; Hereditary neoplastic syndrome; Hereditary Cancer Syndrome; Neoplastic Syndromes, Hereditary. Identifiers: Orphanet 140162, MedGen C0027672, MeSH D009386, MONDO:0015356.

Allele frequency attached by ClinVar (database versions not stated): TOPMed 0.00001; ExAC 0.00007; ESP Exome Variant Server 0.00015.

Submissions (11):

Labcorp Genetics (formerly Invitae), Labcorp
Classification: Likely benign. Last evaluated: 2026-02-03. Review status: criteria provided, single submitter. Criteria: Invitae Variant Classification Sherloc (09022015). Collection method: clinical testing. Allele origin: germline.

Center for Genomic Medicine, Rigshospitalet, Copenhagen University Hospital
Classification: Likely benign. Last evaluated: 2025-03-04. Review status: criteria provided, single submitter. Criteria: ACMG Guidelines, 2015. Collection method: clinical testing. Allele origin: germline.

Department of Pathology and Laboratory Medicine, Sinai Health System
Classification: Likely benign for Colorectal cancer, susceptibility to, 12; Facial dysmorphism-immunodeficiency-livedo-short stature syndrome; Intrauterine growth retardation, metaphyseal dysplasia, adrenal hypoplasia congenita, genital anomalies, and immunodeficiency. Last evaluated: 2024-07-09. Review status: criteria provided, single submitter. Criteria: ACMG Guidelines, 2015. Collection method: clinical testing. Allele origin: germline.

CeGaT Center for Human Genetics Tuebingen
Classification: Likely benign. Last evaluated: 2022-06-01. Review status: criteria provided, single submitter. Criteria: CeGaT Center For Human Genetics Tuebingen Variant Classification Criteria Version 2. Collection method: clinical testing. Allele origin: germline. Affected: yes. Observed: 1 variant allele.
Comment: POLE: BP4, BP7

Women's Health and Genetics/Laboratory Corporation of America, LabCorp
Classification: Benign. Last evaluated: 2022-01-22. Review status: criteria provided, single submitter. Criteria: LabCorp Variant Classification Summary - May 2015. Collection method: clinical testing. Allele origin: germline.

GeneDx
Classification: Likely benign. Last evaluated: 2021-06-05. Review status: criteria provided, single submitter. Criteria: GeneDx Variant Classification Process June 2021. Collection method: clinical testing. Allele origin: germline. Affected: yes.

Sema4
Classification: Likely benign for Hereditary cancer-predisposing syndrome. Last evaluated: 2021-06-05. Review status: criteria provided, single submitter. Criteria: Sema4 Curation Guidelines. Collection method: curation. Allele origin: germline.

Mendelics
Classification: Likely benign for Colorectal cancer, susceptibility to, 12. Last evaluated: 2019-05-28. Review status: criteria provided, single submitter. Criteria: Mendelics Assertion Criteria 2017. Collection method: clinical testing. Allele origin: unknown.

Blueprint Genetics
Classification: Likely benign. Last evaluated: 2019-01-25. Review status: criteria provided, single submitter. Criteria: ACMG Guidelines, 2015. Collection method: clinical testing. Allele origin: germline.

Ambry Genetics
Classification: Likely benign for Hereditary cancer-predisposing syndrome. Last evaluated: 2015-07-16. Review status: criteria provided, single submitter. Criteria: Ambry Variant Classification Scheme 2023. Collection method: clinical testing. Allele origin: germline.

PreventionGenetics, part of Exact Sciences
Classification: Likely benign for POLE-related condition. Last evaluated: 2023-11-29. Review status: no assertion criteria provided. Collection method: clinical testing. Allele origin: germline. Not counted in ClinVar's aggregate classification.
Comment: This variant is classified as likely benign based on ACMG/AMP sequence variant interpretation guidelines (Richards et al. 2015 PMID: 25741868, with internal and published modifications).